The following is an entry in ClinVar:

NM_002834.5(PTPN11):c.215C>A (p.Ala72Asp)

Gene: PTPN11 (protein tyrosine phosphatase non-receptor type 11; plus strand). Cytogenetic location: 12q24.13.
Variant type: single nucleotide variant.
Coding change: c.215C>A on transcript NM_002834.5 (MANE Select); coding-DNA position 215, C replaced by A.
Protein change: p.Ala72Asp; replaces alanine 72 with aspartic acid.
Molecular consequence: missense variant.
Genome position (GRCh38, 1-based): chr12:112,450,395, C>A. VCF-style: chr12-112450395-C-A. GRCh37 (hg19) VCF-style: chr12-112888199-C-A.
Other names: c.215C>A, p.Ala72Asp (NM_001330437.2, NM_080601.3); c.212C>A, p.Ala71Asp (NM_001374625.1); short protein forms A72D, A71D.
Identifiers: ClinVar variation 4530409 (VCV004530409.1), dbSNP rs121918454.
Genomic context (GRCh38, chr12:112,450,395, plus strand): 5'-CCCACATCAAGATTCAGAACACTGGTGATTACTATGACCTGTATGGAGGGGAGAAATTTG[C>A]CACTTTGGCTGAGTTGGTCCAGTATTACATGGAACATCACGGGCAATTAAAAGAGAAGAA-3'
Protein context (NP_002825.3, residues 62-82): YYDLYGGEKF[Ala72Asp]TLAELVQYYM

ClinVar aggregate classification (somatic clinical impact): Tier II - Potential (1 of 4 stars; one submission).

Conditions:
Diffuse midline glioma, H3 K27M-mutant. Identifiers: MedGen C4289688, MONDO:0957196.

Submission:

Institute for Genomic Medicine (IGM) Clinical Laboratory, Nationwide Children's Hospital
Classification: Tier II - Potential for Diffuse midline glioma, H3 K27M-mutant. Assertion type: diagnostic. Clinical significance: supports diagnosis. Last evaluated: 2024-02-23. Review status: criteria provided, single submitter. Criteria: AMP/ASCO/CAP Guidelines, 2017. Collection method: clinical testing. Allele origin: somatic. Affected: yes.
Comment: Variant has Tier II (potential) clinical significance as a diagnostic inclusion criterion in diffuse midline glioma, H3 K27M-mutant, based on the following evidence: 1) Documented in one or more cancer databases (e.g., St. Jude Pecan, COSMIC, CIViC, OncoKB). 2) Information in the literature supports potential biologic effect of variant (PMIDs: 16358218, 37445722). 3) Diagnostic significance based on multiple small studies (Evidence Level C; PMIDs: 28966033, 29763623, 28912153, 35697228).

Literature cited by the submitters: PubMed 16358218; PubMed 37445722; PubMed 28966033; PubMed 29763623; PubMed 28912153; PubMed 35697228.